The following is an entry in ClinVar:

ClinVar aggregate classification (germline): Likely benign. Review status: criteria provided, multiple submitters, no conflicts (2 of 4 stars). 5 submissions from 5 submitters: Likely benign (3). 2 of the submissions do not count toward it. Last evaluated 2026-08-03.

Conditions:
Cardiovascular phenotype. Identifiers: MedGen CN230736.
Dilated cardiomyopathy 1G (CMD1G). Identifiers: Orphanet 154, MedGen C1858763, MONDO:0011400, OMIM 604145.
Autosomal recessive limb-girdle muscular dystrophy type 2J (LGMDR10). Also called: MUSCULAR DYSTROPHY, LIMB-GIRDLE, AUTOSOMAL RECESSIVE 10; Limb-girdle muscular dystrophy, type 2J. Identifiers: Orphanet 140922, MedGen C1837342, MONDO:0012127, OMIM 608807.
TTN-related disorder. Also called: TTN-related disorders; TTN-related condition; TTN-related disease.

Allele frequency attached by ClinVar (database versions not stated): 1000 Genomes Project 30x 0.00031; gnomAD exomes 0.00001 and 0.00002; TOPMed 0.00003; 1000 Genomes Project 0.00020; gnomAD 0.00002; ExAC 0.00003.
gnomAD v4.1: 20 of 1,613,366 alleles (0.0012%); highest among the groups gnomAD compares: African/African-American, 0.004%; no homozygotes.

Submissions (5):

Ambry Genetics
Classification: Likely benign for Cardiovascular phenotype. Last evaluated: 2026-08-03. Review status: criteria provided, single submitter. Criteria: Ambry Variant Classification Scheme 2023. Collection method: clinical testing. Allele origin: germline.

Labcorp Genetics (formerly Invitae), Labcorp
Classification: Likely benign for Dilated cardiomyopathy 1G; Autosomal recessive limb-girdle muscular dystrophy type 2J. Last evaluated: 2025-12-29. Review status: criteria provided, single submitter. Criteria: Invitae Variant Classification Sherloc (09022015). Collection method: clinical testing. Allele origin: germline.

PreventionGenetics, part of Exact Sciences
Classification: Likely benign for TTN-related condition. Last evaluated: 2025-12-23. Review status: criteria provided, single submitter. Criteria: ACMG Guidelines, 2015. Collection method: clinical testing. Allele origin: germline.
Comment: This variant is classified as likely benign based on ACMG/AMP sequence variant interpretation guidelines (Richards et al. 2015 PMID: 25741868, with internal and published modifications).

Clinical Genetics DNA and cytogenetics Diagnostics Lab, Erasmus MC, Erasmus Medical Center
Classification: Likely benign. Review status: no assertion criteria provided. Collection method: clinical testing. Allele origin: germline. Affected: yes. Study: VKGL Data-share Consensus. Not counted in ClinVar's aggregate classification.

Clinical Genetics, Academic Medical Center
Classification: Benign. Review status: no assertion criteria provided. Collection method: clinical testing. Allele origin: germline. Affected: yes. Study: VKGL Data-share Consensus. Not counted in ClinVar's aggregate classification.

NM_001267550.2(TTN):c.73896T>C (p.Ser24632=)

Genes: TTN (titin; minus strand), TTN-AS1 (TTN antisense RNA 1; plus strand). Cytogenetic location: 2q31.2.
Variant type: single nucleotide variant.
Coding change: c.73896T>C on transcript NM_001267550.2 (MANE Select); coding-DNA position 73896, T replaced by C.
Protein change: p.Ser24632=; no amino-acid change (serine 24632 retained).
Molecular consequence: synonymous variant.
Genome position (GRCh38, 1-based): chr2:178,572,236, A>G on the plus strand (T>C on the coding strand, the complement: TTN is on the minus strand). VCF-style: chr2-178572236-A-G. GRCh37 (hg19) VCF-style: chr2-179436963-A-G.
Other names: c.68973T>C, p.Ser22991= (NM_001256850.1); c.46701T>C, p.Ser15567= (NM_003319.4); c.66192T>C, p.Ser22064= (NM_133378.4); c.47076T>C, p.Ser15692= (NM_133432.3); c.47277T>C, p.Ser15759= (NM_133437.4).
Identifiers: ClinVar variation 413080 (VCV000413080.17), dbSNP rs553251216, ClinGen allele CA1990292.